The following is an entry in ClinVar:

NM_000732.6(CD3D):c.152T>C (p.Leu51Pro)

Gene: CD3D (CD3 delta subunit of T-cell receptor complex; minus strand). Cytogenetic location: 11q23.3.
Variant type: single nucleotide variant.
Coding change: c.152T>C on transcript NM_000732.6 (MANE Select); coding-DNA position 152, T replaced by C.
Protein change: p.Leu51Pro; replaces leucine 51 with proline.
Molecular consequence: missense variant.
Genome position (GRCh38, 1-based): chr11:118,340,497, A>G on the plus strand (T>C on the coding strand, the complement: CD3D is on the minus strand). VCF-style: chr11-118340497-A-G. GRCh37 (hg19) VCF-style: chr11-118211212-A-G.
Other names: c.152T>C, p.Leu51Pro (NM_001040651.2); c.152T>C (NM_000732.4); short protein forms L51P.
Identifiers: ClinVar variation 1017550 (VCV001017550.7), dbSNP rs200037447, ClinGen allele CA6301982.
Genomic context (GRCh38, chr11:118,340,497, plus strand): 5'-TATATTCCTCGTGGGTCCAGGATGCGTTTTCCCAGGTCCAGTCTTGTAATGTCTGAGAGC[A>G]GTGTTCCCACCGTTCCCTCTACCCATGTGATGCTGGTATTGCAATTCACAAACACTCTGT-3'
Protein context (NP_000723.1, residues 41-61): ITWVEGTVGT[Leu51Pro]LSDITRLDLG

ClinVar aggregate classification (germline): Uncertain significance. Review status: criteria provided, multiple submitters, no conflicts (2 of 4 stars). 3 submissions from 3 submitters: Uncertain significance (3). Last evaluated 2024-10-21.

Conditions:
Immunodeficiency 19 (IMD19). Also called: CD3-DELTA DEFICIENCY; SEVERE COMBINED IMMUNODEFICIENCY, T CELL-NEGATIVE, B CELL-POSITIVE, NK CELL-POSITIVE; SCID, T CELL-NEGATIVE, B CELL-POSITIVE, NK CELL-POSITIVE; IMMUNODEFICIENCY 19, SEVERE COMBINED. Identifiers: MedGen C3810147, MONDO:0014280, OMIM 615617.
Inborn genetic diseases. Identifiers: MedGen C0950123, MeSH D030342.

Allele frequency attached by ClinVar (database versions not stated): gnomAD 0.00007; TOPMed 0.00007; gnomAD exomes 0.00014; ExAC 0.00022; ESP Exome Variant Server 0.00023.

Submissions (3):

Labcorp Genetics (formerly Invitae), Labcorp
Classification: Uncertain significance for Immunodeficiency 19. Last evaluated: 2024-10-21. Review status: criteria provided, single submitter. Criteria: Invitae Variant Classification Sherloc (09022015). Collection method: clinical testing. Allele origin: germline.
Comment: This sequence change replaces leucine, which is neutral and non-polar, with proline, which is neutral and non-polar, at codon 51 of the CD3D protein (p.Leu51Pro). This variant is present in population databases (rs200037447, gnomAD 0.02%). This variant has not been reported in the literature in individuals affected with CD3D-related conditions. ClinVar contains an entry for this variant (Variation ID: 1017550). An algorithm developed to predict the effect of missense changes on protein structure and function outputs the following: PolyPhen-2: "Benign". The proline amino acid residue is found in multiple mammalian species, which suggests that this missense change does not adversely affect protein function. In summary, the available evidence is currently insufficient to determine the role of this variant in disease. Therefore, it has been classified as a Variant of Uncertain Significance.

Ambry Genetics
Classification: Uncertain significance for Inborn genetic diseases. Last evaluated: 2024-08-04. Review status: criteria provided, single submitter. Criteria: Ambry Variant Classification Scheme 2023. Collection method: clinical testing. Allele origin: germline.

Blueprint Genetics
Classification: Uncertain significance. Last evaluated: 2024-02-29. Review status: criteria provided, single submitter. Criteria: ACMG Guidelines, 2015. Collection method: clinical testing. Allele origin: germline.